The following is an entry in ClinVar:

NM_152703.5(SAMD9L):c.2326G>C (p.Glu776Gln)

Gene: SAMD9L (sterile alpha motif domain containing 9 like; minus strand). Cytogenetic location: 7q21.2.
Variant type: single nucleotide variant.
Coding change: c.2326G>C on transcript NM_152703.5 (MANE Select); coding-DNA position 2326, G replaced by C.
Protein change: p.Glu776Gln; replaces glutamic acid 776 with glutamine.
Molecular consequence: missense variant.
Genome position (GRCh38, 1-based): chr7:93,133,646, C>G on the plus strand (G>C on the coding strand, the complement: SAMD9L is on the minus strand). VCF-style: chr7-93133646-C-G. GRCh37 (hg19) VCF-style: chr7-92762959-C-G.
Other names: c.2326G>C, p.Glu776Gln (NM_001303496.3, NM_001303497.3, NM_001303498.3 and 5 more transcripts); short protein forms E776Q.
Identifiers: ClinVar variation 4630015 (VCV004630015.1).

ClinVar aggregate classification (germline): Uncertain significance (1 of 4 stars; one submission).

Conditions:
Inborn genetic diseases. Identifiers: MedGen C0950123, MeSH D030342.

gnomAD v4.1: 1 of 1,613,620 alleles (0.000062%); highest among the groups gnomAD compares: Non-Finnish European, 0.000085%; no homozygotes.

Submission:

Ambry Genetics
Classification: Uncertain significance for Inborn genetic diseases. Last evaluated: 2025-09-25. Review status: criteria provided, single submitter. Criteria: Ambry Variant Classification Scheme 2023. Collection method: clinical testing. Allele origin: germline.
Comment: The p.E776Q variant (also known as c.2326G>C), located in coding exon 1 of the SAMD9L gene, results from a G to C substitution at nucleotide position 2326. The glutamic acid at codon 776 is replaced by glutamine, an amino acid with highly similar properties. This amino acid position is conserved. In addition, the in silico prediction for this alteration is inconclusive. Based on the available evidence, the clinical significance of this variant remains unclear.